The following is an entry in ClinVar:

ClinVar aggregate classification (germline): Pathogenic/Likely pathogenic. Review status: criteria provided, multiple submitters, no conflicts (2 of 4 stars). 6 submissions from 6 submitters: Pathogenic (3); Likely pathogenic (1). 2 of the submissions do not count toward it. Last evaluated 2024-09-17.

Conditions:
Hereditary insensitivity to pain with anhidrosis (CIPA). Also called: INSENSITIVITY TO PAIN, CONGENITAL, WITH ANHIDROSIS; hereditary sensory and autonomic neuropathy type 4; HSAN Type IV; NEUROPATHY, CONGENITAL SENSORY, WITH ANHIDROSIS; NTRK1 Congenital Insensitivity to Pain with Anhidrosis; FAMILIAL DYSAUTONOMIA, TYPE II. Identifiers: Orphanet 642, MedGen C0020074, MONDO:0009746, OMIM 256800.

Allele frequency attached by ClinVar (database versions not stated): gnomAD exomes below 0.00001; TOPMed 0.00001.

Submissions (6):

Natera, Inc.
Classification: Likely pathogenic for Hereditary insensitivity to pain with anhidrosis. Last evaluated: 2024-09-17. Review status: criteria provided, single submitter. Criteria: Natera Variant Classification Schema (03/2026). Collection method: clinical testing. Allele origin: germline.
Comment: The c.1787G>A variant in NTRK1 is a missense variant predicted to cause substitution of arginine to glutamine at amino acid 596. This variant is rare in the general population with a frequency below the threshold expected for the associated phenotype(s). This variant has been observed in one or more individuals affected with the associated recessive disease, as either homozygous or compound heterozygous with a second variant (PMID: 30774415, 19651702, 31069529). Additionally, this variant has been observed to segregate in affected family members (PMID: 19651702). Computational prediction algorithms indicate this variant is likely to affect gene or protein function. Given the available evidence, this variant is classified as Likely Pathogenic.

Labcorp Genetics (formerly Invitae), Labcorp
Classification: Pathogenic for Hereditary insensitivity to pain with anhidrosis. Last evaluated: 2024-02-14. Review status: criteria provided, single submitter. Criteria: Invitae Variant Classification Sherloc (09022015). Collection method: clinical testing. Allele origin: germline.
Comment: This sequence change replaces arginine, which is basic and polar, with glutamine, which is neutral and polar, at codon 596 of the NTRK1 protein (p.Arg596Gln). This variant also falls at the last nucleotide of exon 13, which is part of the consensus splice site for this exon. This variant is not present in population databases (gnomAD no frequency). This missense change has been observed in individual(s) with NTRK1-related conditions (PMID: 19651702, 30774415). In at least one individual the data is consistent with being in trans (on the opposite chromosome) from a pathogenic variant. This variant is also known as c.1697G>A (p.Arg565Gln) and c.1805G>A (p.R602Q). ClinVar contains an entry for this variant (Variation ID: 1284518). An algorithm developed to predict the effect of missense changes on protein structure and function (PolyPhen-2) suggests that this variant is likely to be disruptive. Variants that disrupt the consensus splice site are a relatively common cause of aberrant splicing (PMID: 17576681, 9536098). Studies have shown that this missense change is associated with altered splicing resulting in multiple RNA products (PMID: 19651702). For these reasons, this variant has been classified as Pathogenic.

Women's Health and Genetics/Laboratory Corporation of America, LabCorp
Classification: Pathogenic for Hereditary insensitivity to pain with anhidrosis. Last evaluated: 2023-08-31. Review status: criteria provided, single submitter. Criteria: LabCorp Variant Classification Summary - May 2015. Collection method: clinical testing. Allele origin: germline.
Comment: Variant summary: NTRK1 c.1787G>A (p.Arg596Gln) results in a conservative amino acid change located in the Protein kinase domain (IPR000719) of the encoded protein sequence. Four of five in-silico tools predict a damaging effect of the variant on protein function. In addition, this variant disrupts the last nucleotide of exon 13, and therefore can affect splicing. Several computational tools predict a significant impact on normal splicing: one predicts the variant abolishes a 5' splicing donor site, and another tool predicts the variant weakens the same 5' donor site. Additionally, two tools predict the variant creates a 3' acceptor site. At least one publication reports experimental evidence that this variant affects mRNA splicing (e.g., Rotthier_2009). The variant was absent in 242408 control chromosomes (gnomAD). c.1787G>A has been reported in the literature in both homozygous and compound heterozygous individuals affected with Hereditary Insensitivity To Pain With Anhidrosis (e.g., Rotthier_2009, Li_2019). These data indicate that the variant is very likely to be associated with disease. The following publications have been ascertained in the context of this evaluation (PMID: 30774415, 19651702). One submitter has reported clinical-significance assessments for this variant to ClinVar after 2014 and has classified the variant as pathogenic. Based on the evidence outlined above, the variant was classified as pathogenic.

Genome-Nilou Lab
Classification: Pathogenic for Hereditary insensitivity to pain with anhidrosis. Last evaluated: 2023-04-11. Review status: criteria provided, single submitter. Criteria: ACMG Guidelines, 2015. Collection method: clinical testing. Allele origin: germline. Affected: no.

Clinical Genetics, Academic Medical Center
Classification: Pathogenic. Review status: no assertion criteria provided. Collection method: clinical testing. Allele origin: germline. Affected: yes. Study: VKGL Data-share Consensus. Not counted in ClinVar's aggregate classification.

Joint Genome Diagnostic Labs from Nijmegen and Maastricht, Radboudumc and MUMC+
Classification: Likely pathogenic. Review status: no assertion criteria provided. Collection method: clinical testing. Allele origin: germline. Affected: yes. Study: VKGL Data-share Consensus. Not counted in ClinVar's aggregate classification.

Literature cited by the submitters: PubMed 30774415 (cited by 3 submitters); PubMed 19651702 (cited by 3 submitters); PubMed 31069529 (cited by Natera, Inc.); PubMed 17576681 (cited by Labcorp Genetics (formerly Invitae), Labcorp); PubMed 9536098 (cited by Labcorp Genetics (formerly Invitae), Labcorp).

NM_002529.4(NTRK1):c.1805G>A (p.Arg602Gln)

Gene: NTRK1 (neurotrophic receptor tyrosine kinase 1; plus strand). Cytogenetic location: 1q23.1.
Variant type: single nucleotide variant.
Coding change: c.1805G>A on transcript NM_002529.4 (MANE Select); coding-DNA position 1805, G replaced by A.
Protein change: p.Arg602Gln; replaces arginine 602 with glutamine.
Molecular consequence: missense variant.
Genome position (GRCh38, 1-based): chr1:156,876,572, G>A. VCF-style: chr1-156876572-G-A. GRCh37 (hg19) VCF-style: chr1-156846364-G-A.
Other names: c.1787G>A (NM_001012331.1); c.1697G>A, p.Arg566Gln (NM_001007792.1); c.1787G>A, p.Arg596Gln (NM_001012331.2); short protein forms R566Q, R596Q, R602Q.
Identifiers: ClinVar variation 1284518 (VCV001284518.11), dbSNP rs1647932465, ClinGen allele CA342938743.